The following is an entry in ClinVar:

ClinVar aggregate classification (germline): Likely benign. Review status: criteria provided, multiple submitters, no conflicts (2 of 4 stars). 3 submissions from 3 submitters: Likely benign (3). Last evaluated 2025-09-13.

Conditions:
ABCC6-related disorder. Also called: ABCC6-related condition.

Allele frequency attached by ClinVar (database versions not stated): ExAC 0.00002.
gnomAD v4.1: 113 of 1,614,018 alleles (0.007%); highest among the groups gnomAD compares: East Asian, 0.23%; no homozygotes.

Submissions (3):

Labcorp Genetics (formerly Invitae), Labcorp
Classification: Likely benign. Last evaluated: 2025-09-13. Review status: criteria provided, single submitter. Criteria: Invitae Variant Classification Sherloc (09022015). Collection method: clinical testing. Allele origin: germline.

PreventionGenetics, part of Exact Sciences
Classification: Likely benign for ABCC6-related condition. Last evaluated: 2025-09-05. Review status: criteria provided, single submitter. Criteria: ACMG Guidelines, 2015. Collection method: clinical testing. Allele origin: germline.
Comment: This variant is classified as likely benign based on ACMG/AMP sequence variant interpretation guidelines (Richards et al. 2015 PMID: 25741868, with internal and published modifications).

Blueprint Genetics
Classification: Likely benign. Last evaluated: 2023-03-09. Review status: criteria provided, single submitter. Criteria: ACMG Guidelines, 2015. Collection method: clinical testing. Allele origin: germline.

NM_001171.6(ABCC6):c.1944-9C>T

Gene: ABCC6 (ATP binding cassette subfamily C member 6; minus strand). Cytogenetic location: 16p13.11.
Variant type: single nucleotide variant.
Coding change: c.1944-9C>T on transcript NM_001171.6 (MANE Select); 9 bases into the intron before coding-DNA position 1944, C replaced by T.
Molecular consequence: intron variant.
Genome position (GRCh38, 1-based): chr16:16,182,939, G>A on the plus strand (C>T on the coding strand, the complement: ABCC6 is on the minus strand). VCF-style: chr16-16182939-G-A. GRCh37 (hg19) VCF-style: chr16-16276796-G-A.
Other names: c.1944-9C>T (NM_001171.5); c.1602-9C>T (NM_001351800.1).
Identifiers: ClinVar variation 1373109 (VCV001373109.8), dbSNP rs59385722, ClinGen allele CA7926081.